The following is an entry in ClinVar:

NM_001105206.3(LAMA4):c.4607G>T (p.Gly1536Val)

Gene: LAMA4 (laminin subunit alpha 4; minus strand). Cytogenetic location: 6q21.
Variant type: single nucleotide variant.
Coding change: c.4607G>T on transcript NM_001105206.3 (MANE Select); coding-DNA position 4607, G replaced by T.
Protein change: p.Gly1536Val; replaces glycine 1536 with valine.
Molecular consequence: missense variant.
Genome position (GRCh38, 1-based): chr6:112,120,341, C>A on the plus strand (G>T on the coding strand, the complement: LAMA4 is on the minus strand). VCF-style: chr6-112120341-C-A. GRCh37 (hg19) VCF-style: chr6-112441544-C-A.
Other names: c.4586G>T (NM_002290.3); c.4586G>T, p.Gly1529Val (NM_001105207.3, NM_002290.5); short protein forms G1529V, G1536V.
Identifiers: ClinVar variation 560616 (VCV000560616.8), dbSNP rs368316926, ClinGen allele CA365369350.

ClinVar aggregate classification (germline): Uncertain significance. Review status: criteria provided, multiple submitters, no conflicts (2 of 4 stars). 5 submissions from 5 submitters: Uncertain significance (4). 1 of the submissions does not count toward it. Last evaluated 2025-02-22.

Conditions:
Cardiovascular phenotype. Identifiers: MedGen CN230736.
Dilated cardiomyopathy 1JJ (CMD1JJ). Identifiers: Orphanet 154, MedGen C3808935, MONDO:0014095, OMIM 615235.
Arrhythmogenic right ventricular cardiomyopathy (ARVD). Also called: Arrhythmogenic cardiomyopathy; Arrhythmogenic Right Ventricular Cardiomyopathy (ARVC); Cardiomyopathy, ARVC; Arrhythmogenic right ventricular dysplasia. Identifiers: Orphanet 247, MedGen C0349788, MeSH D019571, MONDO:0016587. Disease mechanism: loss of function. Inheritance: Various modes of inheritance.

Allele frequency attached by ClinVar (database versions not stated): gnomAD 0.00001; TOPMed 0.00001.
gnomAD v4.1: 1 of 1,613,728 alleles (0.000062%); highest among the groups gnomAD compares: African/African-American, 0.0013%; no homozygotes.

Submissions (5):

Ambry Genetics
Classification: Uncertain significance for Cardiovascular phenotype. Last evaluated: 2025-02-22. Review status: criteria provided, single submitter. Criteria: Ambry Variant Classification Scheme 2023. Collection method: clinical testing. Allele origin: germline.
Comment: The p.G1529V variant (also known as c.4586G>T), located in coding exon 32 of the LAMA4 gene, results from a G to T substitution at nucleotide position 4586. The glycine at codon 1529 is replaced by valine, an amino acid with dissimilar properties. This amino acid position is conserved. In addition, the in silico prediction for this alteration is inconclusive. Based on the available evidence, the clinical significance of this variant remains unclear.

Labcorp Genetics (formerly Invitae), Labcorp
Classification: Uncertain significance for Dilated cardiomyopathy 1JJ. Last evaluated: 2022-10-17. Review status: criteria provided, single submitter. Criteria: Invitae Variant Classification Sherloc (09022015). Collection method: clinical testing. Allele origin: germline.
Comment: In summary, the available evidence is currently insufficient to determine the role of this variant in disease. Therefore, it has been classified as a Variant of Uncertain Significance. Algorithms developed to predict the effect of missense changes on protein structure and function are either unavailable or do not agree on the potential impact of this missense change (SIFT: "Deleterious"; PolyPhen-2: "Probably Damaging"; Align-GVGD: "Class C0"). ClinVar contains an entry for this variant (Variation ID: 560616). This variant has not been reported in the literature in individuals affected with LAMA4-related conditions. This variant is not present in population databases (gnomAD no frequency). This sequence change replaces glycine, which is neutral and non-polar, with valine, which is neutral and non-polar, at codon 1529 of the LAMA4 protein (p.Gly1529Val).

GeneDx
Classification: Uncertain significance. Last evaluated: 2022-08-31. Review status: criteria provided, single submitter. Criteria: GeneDx Variant Classification Process June 2021. Collection method: clinical testing. Allele origin: germline. Affected: yes.
Comment: Not observed at significant frequency in large population cohorts (gnomAD); In silico analysis supports that this missense variant has a deleterious effect on protein structure/function; Has not been previously published as pathogenic or benign to our knowledge

Fulgent Genetics
Classification: Uncertain significance for Dilated cardiomyopathy 1JJ. Last evaluated: 2021-08-12. Review status: criteria provided, single submitter. Criteria: ACMG Guidelines, 2015. Collection method: clinical testing. Allele origin: unknown.

Clinical Molecular Genetics Laboratory, Johns Hopkins All Children's Hospital
Classification: Uncertain significance for Arrhythmogenic right ventricular cardiomyopathy. Last evaluated: 2017-01-09. Review status: no assertion criteria provided. Collection method: clinical testing. Allele origin: germline. Affected: yes. Not counted in ClinVar's aggregate classification.